The following is an entry in ClinVar:

NM_144585.4(SLC22A12):c.371G>A (p.Arg124His)

Gene: SLC22A12 (solute carrier family 22 member 12; plus strand). Cytogenetic location: 11q13.1.
Variant type: single nucleotide variant.
Coding change: c.371G>A on transcript NM_144585.4 (MANE Select); coding-DNA position 371, G replaced by A.
Protein change: p.Arg124His; replaces arginine 124 with histidine.
Molecular consequence: missense variant. On other transcripts: 5 prime UTR variant (1).
Genome position (GRCh38, 1-based): chr11:64,591,927, G>A. VCF-style: chr11-64591927-G-A. GRCh37 (hg19) VCF-style: chr11-64359399-G-A.
Other names: c.371G>A, p.Arg124His (NM_001276326.2, NM_001276327.2); c.-138G>A (NM_153378.3); c.371G>A (NM_144585.2); short protein forms R124H.
Identifiers: ClinVar variation 1983955 (VCV001983955.3), dbSNP rs763298510, ClinGen allele CA6077035.

ClinVar aggregate classification (germline): Conflicting classifications of pathogenicity. Review status: criteria provided, conflicting classifications (1 of 4 stars). 3 submissions from 3 submitters: Uncertain significance (2); Likely benign (1). Last evaluated 2024-10-16.

Conditions:
Inborn genetic diseases. Identifiers: MedGen C0950123, MeSH D030342.
Dalmatian hypouricemia (RHUC1). Identifiers: MedGen C0473219, MONDO:0020728, OMIM 220150.

Allele frequency attached by ClinVar (database versions not stated): TOPMed below 0.00001; gnomAD 0.00001; ExAC 0.00002.
gnomAD v4.1: 17 of 1,611,796 alleles (0.0011%); highest among the groups gnomAD compares: South Asian, 0.0077%; no homozygotes.

Submissions (3):

Ambry Genetics
Classification: Likely benign for Inborn genetic diseases. Last evaluated: 2024-10-16. Review status: criteria provided, single submitter. Criteria: Ambry Variant Classification Scheme 2023. Collection method: clinical testing. Allele origin: germline.

Fulgent Genetics
Classification: Uncertain significance for Dalmatian hypouricemia. Last evaluated: 2024-04-04. Review status: criteria provided, single submitter. Criteria: ACMG Guidelines, 2015. Collection method: clinical testing. Allele origin: germline.

Labcorp Genetics (formerly Invitae), Labcorp
Classification: Uncertain significance. Last evaluated: 2022-03-11. Review status: criteria provided, single submitter. Criteria: Invitae Variant Classification Sherloc (09022015). Collection method: clinical testing. Allele origin: germline.
Comment: This sequence change replaces arginine, which is basic and polar, with histidine, which is basic and polar, at codon 124 of the SLC22A12 protein (p.Arg124His). The frequency data for this variant in the population databases is considered unreliable, as metrics indicate poor data quality at this position in the gnomAD database. This variant has not been reported in the literature in individuals affected with SLC22A12-related conditions. Algorithms developed to predict the effect of missense changes on protein structure and function output the following: SIFT: "Tolerated"; PolyPhen-2: "Benign"; Align-GVGD: "Class C0". The histidine amino acid residue is found in multiple mammalian species, which suggests that this missense change does not adversely affect protein function. In summary, the available evidence is currently insufficient to determine the role of this variant in disease. Therefore, it has been classified as a Variant of Uncertain Significance.